The following is an entry in ClinVar:

NM_001256627.2(BRSK2):c.62T>A (p.Leu21Gln)

Gene: BRSK2 (BR serine/threonine kinase 2; plus strand). Cytogenetic location: 11p15.5.
Variant type: single nucleotide variant.
Coding change: c.62T>A on transcript NM_001256627.2 (MANE Select); coding-DNA position 62, T replaced by A.
Protein change: p.Leu21Gln; replaces leucine 21 with glutamine.
Molecular consequence: missense variant. On other transcripts: non-coding transcript variant (1).
Genome position (GRCh38, 1-based): chr11:1,390,346, T>A. VCF-style: chr11-1390346-T-A. GRCh37 (hg19) VCF-style: chr11-1411576-T-A.
Other names: c.62T>A, p.Leu21Gln (NM_001256629.2, NM_003957.4); short protein forms L21Q.
Identifiers: ClinVar variation 3373067 (VCV003373067.1).

ClinVar aggregate classification (germline): Uncertain significance (1 of 4 stars; one submission).

Submission:

GeneDx
Classification: Uncertain significance. Last evaluated: 2024-04-26. Review status: criteria provided, single submitter. Criteria: GeneDx Variant Classification Process June 2021. Collection method: clinical testing. Allele origin: germline. Affected: yes.
Comment: Not observed at significant frequency in large population cohorts (gnomAD); In silico analysis supports that this missense variant has a deleterious effect on protein structure/function; Has not been previously published as pathogenic or benign to our knowledge